The following is an entry in ClinVar:

NM_005529.7(HSPG2):c.4888_4889del (p.Ser1630fs)

Gene: HSPG2 (heparan sulfate proteoglycan 2; minus strand). Cytogenetic location: 1p36.12.
Variant type: Microsatellite.
Coding change: c.4888_4889del on transcript NM_005529.7 (MANE Select); coding-DNA positions 4888 to 4889, 2 bases deleted (AG; older notation c.4888_4889delAG).
Protein change: p.Ser1630fs; shifts the reading frame from serine 1630.
Molecular consequence: frameshift variant.
Genome position (GRCh38, 1-based): chr1:21,861,823-21,861,824, CT deleted on the plus strand (AG on the coding strand, the reverse complement: HSPG2 is on the minus strand); deleting any 2 consecutive bases within chr1:21,861,823-21,861,827 gives the same sequence; the c. name uses the placement nearest the transcript's 3' end. VCF-style (leftmost placement, unchanged base first): chr1-21861822-GCT-G. GRCh37 (hg19) VCF-style: chr1-22188315-GCT-G.
Other names: c.4891_4892del, p.Ser1631fs (NM_001291860.2); short protein forms S1630fs, S1631fs.
Identifiers: ClinVar variation 2746282 (VCV002746282.3), dbSNP rs2550711719, ClinGen allele CA2697552250.
Genomic context (GRCh38, chr1:21,861,822, plus strand): 5'-ACAGTACTGGCCAGTGTAGCCGGGTTCGCAGGCCGTGCAGCGGTACCCGCCGGCTCCCAG[GCT>G]CTCACAGGTGCGGGAAAACCTGGGATCGGGGAGGCAAAGGTCAGGTCATGGGAAGCCCAA-3'

ClinVar aggregate classification (germline): Pathogenic (1 of 4 stars; one submission).

Submission:

Labcorp Genetics (formerly Invitae), Labcorp
Classification: Pathogenic. Last evaluated: 2023-07-25. Review status: criteria provided, single submitter. Criteria: Invitae Variant Classification Sherloc (09022015). Collection method: clinical testing. Allele origin: germline.
Comment: This sequence change creates a premature translational stop signal (p.Ser1630Profs*21) in the HSPG2 gene. It is expected to result in an absent or disrupted protein product. Loss-of-function variants in HSPG2 are known to be pathogenic (PMID: 11279527, 16927315, 20542149, 23836246). This variant is not present in population databases (gnomAD no frequency). This variant has not been reported in the literature in individuals affected with HSPG2-related conditions. For these reasons, this variant has been classified as Pathogenic.

Literature cited by the submitters: PubMed 11279527; PubMed 16927315; PubMed 20542149; PubMed 23836246.